The following is an entry in ClinVar:

ClinVar aggregate classification (germline): Uncertain significance (1 of 4 stars; one submission).

Submission:

Ambry Genetics
Classification: Uncertain significance. Last evaluated: 2025-04-18. Review status: criteria provided, single submitter. Criteria: Ambry Variant Classification Scheme 2023. Collection method: clinical testing. Allele origin: germline.
Comment: The p.E732A variant (also known as c.2195A>C), located in coding exon 15 of the RINT1 gene, results from an A to C substitution at nucleotide position 2195. The glutamic acid at codon 732 is replaced by alanine, an amino acid with dissimilar properties. This amino acid position is conserved. In addition, the in silico prediction for this alteration is inconclusive. Based on the available evidence, the clinical significance of this variant remains unclear.

NM_021930.6(RINT1):c.2195A>C (p.Glu732Ala)

Genes: EFCAB10 (EF-hand calcium binding domain 10; minus strand), RINT1 (RAD50 interactor 1; plus strand). Cytogenetic location: 7q22.3.
Variant type: single nucleotide variant.
Coding change: c.2195A>C on transcript NM_021930.6 (MANE Select); coding-DNA position 2195, A replaced by C.
Protein change: p.Glu732Ala; replaces glutamic acid 732 with alanine.
Molecular consequence: missense variant. On other transcripts: 3 prime UTR variant (2), non-coding transcript variant (1), intron variant (3).
Genome position (GRCh38, 1-based): chr7:105,567,127, A>C. VCF-style: chr7-105567127-A-C. GRCh37 (hg19) VCF-style: chr7-105207574-A-C.
Other names: c.*327T>G (NM_001355527.2, NM_001355529.2); c.1961A>C, p.Glu654Ala (NM_001346599.2); c.1172A>C, p.Glu391Ala (NM_001346600.2, NM_001346603.2); c.1271A>C, p.Glu424Ala (NM_001346601.2); c.360-1680T>G (NM_001355531.2); c.383+340T>G (NM_001355526.2, NM_001355530.2); short protein forms E732A, E424A, E654A, E391A.
Identifiers: ClinVar variation 3945968 (VCV003945968.1).
Genomic context (GRCh38, chr7:105,567,127, plus strand): 5'-ATTGATGCAGATAATGGAGATCTCATTTCCCTCCTTTGTTTTCCCTAAACAGTATAAAAG[A>C]AGCCTGTATTGTTTTGAATTTGAACGTCGGTTCTGCACTACTGCTGAAAGATGTACTGCA-3'
Protein context (NP_068749.3, residues 722-742): RPENYFKHIK[Glu732Ala]ACIVLNLNVG